The following is an entry in ClinVar:

NM_001365536.1(SCN9A):c.1789C>G (p.Arg597Gly)

Genes: SCN9A (sodium voltage-gated channel alpha subunit 9; minus strand), SCN1A-AS1 (SCN1A and SCN9A antisense RNA 1; plus strand). Cytogenetic location: 2q24.3.
Variant type: single nucleotide variant.
Coding change: c.1789C>G on transcript NM_001365536.1 (MANE Select); coding-DNA position 1789, C replaced by G.
Protein change: p.Arg597Gly; replaces arginine 597 with glycine.
Molecular consequence: missense variant.
Genome position (GRCh38, 1-based): chr2:166,284,638, G>C on the plus strand (C>G on the coding strand, the complement: SCN9A is on the minus strand). VCF-style: chr2-166284638-G-C. GRCh37 (hg19) VCF-style: chr2-167141148-G-C.
Other names: c.1789C>G, p.Arg597Gly (NM_002977.4); short protein forms R597G.
Identifiers: ClinVar variation 661656 (VCV000661656.9), dbSNP rs1448265143, ClinGen allele CA349083224.
Genomic context (GRCh38, chr2:166,284,638, plus strand): 5'-TCCCGTTCACCGGCAGCATTGGTGGGGACCTACTGGCTTGGCTGATGTTACTGCTGCGTC[G>C]CTCCTGGGGTCTGTGGGGCACAAACAGTGAGCCCCTTCTGCTCTCATTGTCTCCAAAAAT-3'
Protein context (NP_001352465.1, residues 587-607): SLFVPHRPQE[Arg597Gly]RSSNISQASR

ClinVar aggregate classification (germline): Uncertain significance (1 of 4 stars; one submission).

Conditions:
Generalized epilepsy with febrile seizures plus, type 7 (GEFSP7). Also called: GEFS+, TYPE 7. Identifiers: Orphanet 36387, MedGen C2751778, MONDO:0013470, OMIM 613863.
Neuropathy, hereditary sensory and autonomic, type 2A (HSAN2A). Also called: HSAN IIA; WNK1-Related HSAN2 (HSAN2A); MORVAN DISEASE; NEUROPATHY, CONGENITAL SENSORY; NEUROPATHY, HEREDITARY SENSORY RADICULAR, AUTOSOMAL RECESSIVE; NEUROPATHY, HEREDITARY SENSORY, TYPE IIA. Identifiers: Orphanet 970, MedGen C2752089, MONDO:0024309, OMIM 201300.

gnomAD v4.1: 1 of 1,613,966 alleles (0.000062%); highest among the groups gnomAD compares: Non-Finnish European, 0.000085%; no homozygotes.

Submission:

Labcorp Genetics (formerly Invitae), Labcorp
Classification: Uncertain significance for Neuropathy, hereditary sensory and autonomic, type 2A; Generalized epilepsy with febrile seizures plus, type 7. Last evaluated: 2022-06-04. Review status: criteria provided, single submitter. Criteria: Invitae Variant Classification Sherloc (09022015). Collection method: clinical testing. Allele origin: germline.
Comment: In summary, the available evidence is currently insufficient to determine the role of this variant in disease. Therefore, it has been classified as a Variant of Uncertain Significance. Algorithms developed to predict the effect of missense changes on protein structure and function (SIFT, PolyPhen-2, Align-GVGD) all suggest that this variant is likely to be disruptive. This sequence change replaces arginine, which is basic and polar, with glycine, which is neutral and non-polar, at codon 597 of the SCN9A protein (p.Arg597Gly). This variant is not present in population databases (gnomAD no frequency). This variant has not been reported in the literature in individuals affected with SCN9A-related conditions. ClinVar contains an entry for this variant (Variation ID: 661656).